The following is an entry in ClinVar:

ClinVar aggregate classification (germline): Likely benign. Review status: criteria provided, multiple submitters, no conflicts (2 of 4 stars). 6 submissions from 6 submitters: Likely benign (6). Last evaluated 2025-12-14.

Conditions:
Marfan syndrome (MFS). Also called: MARFAN SYNDROME, TYPE I; FBN1-Related Marfan Syndrome; Marfan syndrome type 1; Marfan's syndrome; Marfan syndrome, classic. Identifiers: Orphanet 284963, Orphanet 558, MedGen C0024796, MONDO:0007947, OMIM 154700.
Familial thoracic aortic aneurysm and aortic dissection (TAAD). Also called: Thoracic aortic aneurysms and dissections. Identifiers: Orphanet 91387, MedGen C4707243, MONDO:0019625.

Allele frequency attached by ClinVar (database versions not stated): TOPMed 0.00003; gnomAD 0.00006; gnomAD exomes 0.00003 and 0.00004; ExAC 0.00005; ESP Exome Variant Server 0.00015.
gnomAD v4.1: 50 of 1,613,904 alleles (0.0031%); highest among the groups gnomAD compares: Non-Finnish European, 0.0037%; no homozygotes.

Submissions (6):

Labcorp Genetics (formerly Invitae), Labcorp
Classification: Likely benign for Marfan syndrome; Familial thoracic aortic aneurysm and aortic dissection. Last evaluated: 2025-12-14. Review status: criteria provided, single submitter. Criteria: Invitae Variant Classification Sherloc (09022015). Collection method: clinical testing. Allele origin: germline.

Women's Health and Genetics/Laboratory Corporation of America, LabCorp
Classification: Likely benign. Last evaluated: 2024-12-12. Review status: criteria provided, single submitter. Criteria: LabCorp Variant Classification Summary - May 2015. Collection method: clinical testing. Allele origin: germline.

Blueprint Genetics
Classification: Likely benign. Last evaluated: 2024-09-30. Review status: criteria provided, single submitter. Criteria: ACMG Guidelines, 2015. Collection method: clinical testing. Allele origin: germline.

All of Us Research Program, National Institutes of Health
Classification: Likely benign for Marfan syndrome. Last evaluated: 2024-02-05. Review status: criteria provided, single submitter. Criteria: ACMG Guidelines, 2015. Collection method: clinical testing. Allele origin: germline. Inheritance: Autosomal dominant inheritance. Observed: 6 variant alleles, 6 heterozygotes.
Comment: This study involves interpretation of variants in research participants for the purpose of population health screening. Participant phenotype was not available at the time of variant classification. Additional details can be found in publication PMID: 35346344, PMCID: PMC8962531

Color Diagnostics, LLC DBA Color Health
Classification: Likely benign for Familial thoracic aortic aneurysm and aortic dissection. Last evaluated: 2023-01-18. Review status: criteria provided, single submitter. Criteria: ACMG Guidelines, 2015. Collection method: clinical testing. Allele origin: germline.

GeneDx
Classification: Likely benign. Last evaluated: 2018-01-04. Review status: criteria provided, single submitter. Criteria: GeneDx Variant Classification (06012015). Collection method: clinical testing. Allele origin: germline. Affected: yes.
Comment: This variant is considered likely benign or benign based on one or more of the following criteria: it is a conservative change, it occurs at a poorly conserved position in the protein, it is predicted to be benign by multiple in silico algorithms, and/or has population frequency not consistent with disease.

NM_000138.5(FBN1):c.1961-14T>C

Gene: FBN1 (fibrillin 1; minus strand). Cytogenetic location: 15q21.1.
Variant type: single nucleotide variant.
Coding change: c.1961-14T>C on transcript NM_000138.5 (MANE Select); 14 bases into the intron before coding-DNA position 1961, T replaced by C.
Molecular consequence: intron variant.
Genome position (GRCh38, 1-based): chr15:48,503,953, A>G on the plus strand (T>C on the coding strand, the complement: FBN1 is on the minus strand). VCF-style: chr15-48503953-A-G. GRCh37 (hg19) VCF-style: chr15-48796150-A-G.
Identifiers: ClinVar variation 495567 (VCV000495567.16), dbSNP rs373918202, ClinGen allele CA046443.